The following is an entry in ClinVar:

NM_020944.3(GBA2):c.379C>T (p.Arg127Trp)

Gene: GBA2 (glucosylceramidase beta 2; minus strand). Cytogenetic location: 9p13.3.
Variant type: single nucleotide variant.
Coding change: c.379C>T on transcript NM_020944.3 (MANE Select); coding-DNA position 379, C replaced by T.
Protein change: p.Arg127Trp; replaces arginine 127 with tryptophan.
Molecular consequence: missense variant.
Genome position (GRCh38, 1-based): chr9:35,744,687, G>A on the plus strand (C>T on the coding strand, the complement: GBA2 is on the minus strand). VCF-style: chr9-35744687-G-A. GRCh37 (hg19) VCF-style: chr9-35744684-G-A.
Other names: c.379C>T, p.Arg127Trp (NM_001330660.2); short protein forms R127W.
Identifiers: ClinVar variation 1478720 (VCV001478720.7), dbSNP rs377217110, ClinGen allele CA5050738.

ClinVar aggregate classification (germline): Uncertain significance (1 of 4 stars; one submission).

Conditions:
Spastic paraplegia. Identifiers: MedGen C0037772, HP:0001258.

Allele frequency attached by ClinVar (database versions not stated): ExAC 0.00008; ESP Exome Variant Server 0.00008; TOPMed 0.00005; gnomAD 0.00006; gnomAD exomes 0.00008.

Submission:

Labcorp Genetics (formerly Invitae), Labcorp
Classification: Uncertain significance for Spastic paraplegia. Last evaluated: 2025-01-13. Review status: criteria provided, single submitter. Criteria: Invitae Variant Classification Sherloc (09022015). Collection method: clinical testing. Allele origin: germline.
Comment: This sequence change replaces arginine, which is basic and polar, with tryptophan, which is neutral and slightly polar, at codon 127 of the GBA2 protein (p.Arg127Trp). This variant is present in population databases (rs377217110, gnomAD 0.02%). This variant has not been reported in the literature in individuals affected with GBA2-related conditions. ClinVar contains an entry for this variant (Variation ID: 1478720). An algorithm developed to predict the effect of missense changes on protein structure and function (PolyPhen-2) suggests that this variant is likely to be disruptive. In summary, the available evidence is currently insufficient to determine the role of this variant in disease. Therefore, it has been classified as a Variant of Uncertain Significance.